The following is an entry in ClinVar:

NM_058216.3(RAD51C):c.849C>T (p.Thr283=)

Gene: RAD51C (RAD51 paralog C; plus strand). Cytogenetic location: 17q22.
Variant type: single nucleotide variant.
Coding change: c.849C>T on transcript NM_058216.3 (MANE Select); coding-DNA position 849, C replaced by T.
Protein change: p.Thr283=; no amino-acid change (threonine 283 retained).
Molecular consequence: synonymous variant. On other transcripts: non-coding transcript variant (1).
Genome position (GRCh38, 1-based): chr17:58,720,757, C>T. VCF-style: chr17-58720757-C-T. GRCh37 (hg19) VCF-style: chr17-56798118-C-T.
Identifiers: ClinVar variation 3312393 (VCV003312393.2).

ClinVar aggregate classification (germline): Benign/Likely benign. Review status: criteria provided, multiple submitters, no conflicts (2 of 4 stars). 2 submissions from 2 submitters: Benign (1); Likely benign (1). Last evaluated 2025-02-19.

Conditions:
Breast-ovarian cancer, familial, susceptibility to, 3. Also called: RAD51C-Related Breast/Ovarian Cancer. Identifiers: Orphanet 145, MedGen C3150659, MONDO:0013253, OMIM 613399.
Hereditary cancer-predisposing syndrome. Also called: Neoplastic Syndromes, Hereditary; Tumor predisposition; Hereditary neoplastic syndrome; Hereditary Cancer Syndrome. Identifiers: Orphanet 140162, MedGen C0027672, MeSH D009386, MONDO:0015356.

gnomAD v4.1: 2 of 1,611,542 alleles (0.00012%); highest among the groups gnomAD compares: South Asian, 0.0011%; no homozygotes.

Submissions (2):

Myriad Genetics, Inc.
Classification: Benign for Breast-ovarian cancer, familial, susceptibility to, 3. Last evaluated: 2025-02-19. Review status: criteria provided, single submitter. Criteria: Myriad Autosomal Dominant, Autosomal Recessive and X-Linked Classification Criteria (2023). Collection method: clinical testing. Allele origin: unknown.
Comment: This variant is considered benign. This variant is a silent/synonymous amino acid change and it is not expected to impact splicing.

Ambry Genetics
Classification: Likely benign for Hereditary cancer-predisposing syndrome. Last evaluated: 2024-06-21. Review status: criteria provided, single submitter. Criteria: Ambry Variant Classification Scheme 2023. Collection method: clinical testing. Allele origin: germline.